The following is an entry in ClinVar:

ClinVar aggregate classification (germline): Conflicting classifications of pathogenicity. Review status: criteria provided, conflicting classifications (1 of 4 stars). 7 submissions from 7 submitters: Likely risk allele (1); Uncertain significance (1); Benign (2); Likely benign (3). Last evaluated 2026-07-01.

Conditions:
MAPT-Related Spectrum Disorders.
Frontotemporal dementia (FTD1). Also called: Frontotemporal lobe dementia (FLDEM); Dementia, frontotemporal, with or without parkinsonism; MULTIPLE SYSTEM TAUOPATHY WITH PRESENILE DEMENTIA; WILHELMSEN-LYNCH DISEASE; Frontotemporal Dementia with Parkinsonism-17 (FTDP-17); FRONTOTEMPORAL DEMENTIA WITH PARKINSONISM. Identifiers: Orphanet 282, MedGen C0338451, MONDO:0017276, OMIM 600274, HP:0002145.

Allele frequency attached by ClinVar (database versions not stated): 1000 Genomes Project 30x 0.00094; 1000 Genomes Project 0.00120; gnomAD 0.00179 and 0.00180; TOPMed 0.00179; ESP Exome Variant Server 0.00200.
gnomAD v4.1: 4,301 of 1,614,188 alleles (0.27%); highest among the groups gnomAD compares: Non-Finnish European, 0.32%; 11 homozygotes.

Submissions (7):

CeGaT Center for Human Genetics Tuebingen
Classification: Benign. Last evaluated: 2026-07-01. Review status: criteria provided, single submitter. Criteria: CeGaT Center For Human Genetics Tuebingen Variant Classification Criteria Version 2. Collection method: clinical testing. Allele origin: germline. Affected: yes. Observed: 9 variant alleles.
Comment: MAPT: BP4, BS1, BS2

Labcorp Genetics (formerly Invitae), Labcorp
Classification: Uncertain significance for Frontotemporal dementia. Last evaluated: 2026-02-03. Review status: criteria provided, single submitter. Criteria: Invitae Variant Classification Sherloc (09022015). Collection method: clinical testing. Allele origin: germline.
Comment: This sequence change replaces alanine, which is neutral and non-polar, with threonine, which is neutral and polar, at codon 152 of the MAPT protein (p.Ala152Thr). This variant is present in population databases (rs143624519, gnomAD 0.2%), including at least one homozygous and/or hemizygous individual. This missense change has been observed in individual(s) with Parkinson disease, frontotemporal dementia (FTD), or Alzheimer disease (AD), however this variant has also been reported in control populations. A single study found that this variant increases the risk for both FTD (OR =3.0, CI: 1.6–5.6, P= 0.0005) and AD (OR=2.3, CI: 1.3–4.2, P=0.004), but this result has not been independently replicated (PMID: 21176711, 22312439, 22556362, 22595371, 22906081, 23518664, 26333800, 33612544). It has also been observed to segregate with disease in related individuals. This variant is also known as NM_016835.4:c.1405G>A p.(Ala469Thr). ClinVar contains an entry for this variant (Variation ID: 323645). Invitae Evidence Modeling of protein sequence and biophysical properties (such as structural, functional, and spatial information, amino acid conservation, physicochemical variation, residue mobility, and thermodynamic stability) indicates that this missense variant is not expected to disrupt MAPT protein function with a negative predictive value of 80%. Experimental studies have shown that this missense change affects MAPT function (PMID: 22556362, 26931567, 28334843). In summary, the available evidence is currently insufficient to determine the role of this variant in disease. Therefore, it has been classified as a Variant of Uncertain Significance.

Mayo Clinic Laboratories, Mayo Clinic
Classification: Likely benign. Last evaluated: 2025-10-17. Review status: criteria provided, single submitter. Criteria: ACMG Guidelines, 2015. Collection method: clinical testing. Allele origin: germline. Observed: 7 variant alleles.
Comment: BS1, BS2, BP4, PS3

Athena Diagnostics
Classification: Likely risk allele. Last evaluated: 2025-08-22. Review status: criteria provided, single submitter. Criteria: Athena Diagnostics Criteria. Collection method: clinical testing. Allele origin: unknown.
Comment: This variant has been reported to cause an increased risk of developing clinical features associated with this gene. This variant is statistically more frequent in individuals affected with frontotemporal dementia (FTD) and Alzheimer disease (AD) than in the general population and/or healthy controls (PMID: 22556362), even though its frequency in the general population is higher than would generally be expected for pathogenic variants in this gene (Genome Aggregation Database (gnomAD), Cambridge, MA (URL)) It has been reported in multiple studies that Ala152Thr is associated with a wide range of diagnoses, including frontotemporal dementia (FTD), Alzheimer's disease (AD), Parkinsonism, progressive supranuclear palsy (PSP), and others. Thus the presence of this variant is not predictive of this patient's outcome, only that they are at elevated risk of developing a neurodegenerative disease. Assessment of experimental evidence suggests this variant results in abnormal protein function. (PMID: 26916334, 26931567, 26931569, 30590647, 28334843)

Women's Health and Genetics/Laboratory Corporation of America, LabCorp
Classification: Likely benign. Last evaluated: 2024-03-26. Review status: criteria provided, single submitter. Criteria: LabCorp Variant Classification Summary - May 2015. Collection method: clinical testing. Allele origin: germline.

GeneDx
Classification: Benign. Last evaluated: 2019-03-27. Review status: criteria provided, single submitter. Criteria: GeneDx Variant Classification Process June 2021. Collection method: clinical testing. Allele origin: germline. Affected: yes.
Comment: This variant is associated with the following publications: (PMID: 26916334, 29525180, 27594585, 28594853, 28334843, 23518664, 24319659, 26931569, 27776828, 26333800, 21176711, 23692670, 22312439, 23990795, 22595371, 22556362, 22906081, 30279455)

Illumina Laboratory Services, Illumina
Classification: Likely benign for MAPT-Related Spectrum Disorders. Last evaluated: 2017-04-27. Review status: criteria provided, single submitter. Criteria: ICSL Variant Classification Criteria 13 December 2019. Collection method: clinical testing. Allele origin: germline.
Comment: This variant was observed as part of a predisposition screen in an ostensibly healthy population. A literature search was performed for the gene, cDNA change, and amino acid change (where applicable). Publications were found based on this search. The evidence from the literature, in combination with allele frequency data from public databases where available, was sufficient to determine this variant is unlikely to cause disease. Therefore, this variant is classified as likely benign.

Literature cited by the submitters: PubMed 21176711 (cited by 4 submitters); PubMed 22312439 (cited by 3 submitters); PubMed 22556362 (cited by 4 submitters); PubMed 22595371 (cited by 4 submitters); PubMed 22906081 (cited by 4 submitters); PubMed 23518664 (cited by 3 submitters); PubMed 26333800 (cited by 3 submitters); PubMed 33612544 (cited by 3 submitters); PubMed 26931567 (cited by 3 submitters); PubMed 28334843 (cited by 3 submitters); PubMed 23692670 (cited by 3 submitters); PubMed 23990795 (cited by 3 submitters); PubMed 26916334 (cited by Mayo Clinic Laboratories, Mayo Clinic and Athena Diagnostics); PubMed 29525180 (cited by Mayo Clinic Laboratories, Mayo Clinic and Athena Diagnostics); PubMed 30279455 (cited by Mayo Clinic Laboratories, Mayo Clinic and Athena Diagnostics); PubMed 30590647 (cited by Mayo Clinic Laboratories, Mayo Clinic and Athena Diagnostics); PubMed 34593302 (cited by Mayo Clinic Laboratories, Mayo Clinic); PubMed 36474176 (cited by Mayo Clinic Laboratories, Mayo Clinic and Athena Diagnostics); PubMed 30599136 (cited by Athena Diagnostics); PubMed 39187706 (cited by Athena Diagnostics); PubMed 39811068 (cited by Athena Diagnostics); PubMed 38916996 (cited by Athena Diagnostics); PubMed 39119047 (cited by Athena Diagnostics); PubMed 25604855 (cited by Athena Diagnostics); PubMed 25937274 (cited by Athena Diagnostics); PubMed 24319659 (cited by Athena Diagnostics); PubMed 36133075 (cited by Athena Diagnostics); PubMed 28594853 (cited by Athena Diagnostics); PubMed 31640778 (cited by Athena Diagnostics); PubMed 22119021 (cited by Athena Diagnostics); PubMed 26931569 (cited by Athena Diagnostics); PubMed 26040468 (cited by Athena Diagnostics); PubMed 39145409 (cited by Athena Diagnostics).

NM_001377265.1(MAPT):c.1630G>A (p.Ala544Thr)

Gene: MAPT (microtubule associated protein tau). Cytogenetic location: 17q21.31.
Variant type: single nucleotide variant.
Coding change: c.1630G>A on transcript NM_001377265.1 (MANE Select); coding-DNA position 1630, G replaced by A.
Protein change: p.Ala544Thr; replaces alanine 544 with threonine.
Molecular consequence: missense variant. On other transcripts: non-coding transcript variant (1).
Genome position (GRCh38, 1-based): chr17:45,991,484, G>A. VCF-style: chr17-45991484-G-A. GRCh37 (hg19) VCF-style: chr17-44068850-G-A.
Other names: p.Ala152Thr; c.1405G>A, p.Ala469Thr (NM_001123066.4, NM_016835.5); c.367G>A, p.Ala123Thr (NM_001123067.4, NM_001203251.2, NM_001377267.1); c.454G>A, p.Ala152Thr (NM_001203252.2, NM_005910.6); c.1432G>A, p.Ala478Thr (NM_001377266.1); c.280G>A, p.Ala94Thr (NM_001377268.1, NM_016834.5, NM_016841.5); short protein forms A152T, A469T, A123T, A94T, A478T, A544T.
Identifiers: ClinVar variation 323645 (VCV000323645.54), dbSNP rs143624519, ClinGen allele CA8617962.
Genomic context (GRCh38, chr17:45,991,484, plus strand): 5'-ATGGTGAAAAACCCCTCTATCATGTTTCATTTACAGGGGGCTGATGGTAAAACGAAGATC[G>A]CCACACCGCGGGGAGCAGCCCCTCCAGGCCAGAAGGGCCAGGCCAACGCCACCAGGATTC-3'
Protein context (NP_001364194.1, residues 534-554): LKGADGKTKI[Ala544Thr]TPRGAAPPGQ